The following is an entry in ClinVar:

NM_000487.6(ARSA):c.620C>A (p.Ala207Asp)

Gene: ARSA (arylsulfatase A; minus strand). Cytogenetic location: 22q13.33.
Variant type: single nucleotide variant.
Coding change: c.620C>A on transcript NM_000487.6 (MANE Select); coding-DNA position 620, C replaced by A.
Protein change: p.Ala207Asp; replaces alanine 207 with aspartic acid.
Molecular consequence: missense variant.
Genome position (GRCh38, 1-based): chr22:50,626,898, G>T on the plus strand (C>A on the coding strand, the complement: ARSA is on the minus strand). VCF-style: chr22-50626898-G-T. GRCh37 (hg19) VCF-style: chr22-51065326-G-T.
Other names: p.Ala207Asp; c.620C>A, p.Ala207Asp (NM_001085425.3, NM_001085426.3, NM_001085427.3); c.362C>A, p.Ala121Asp (NM_001085428.3, NM_001362782.2); short protein forms A121D, A207D.
Identifiers: ClinVar variation 2445466 (VCV002445466.5), dbSNP rs759098239, ClinGen allele CA10324965.
Genomic context (GRCh38, chr22:50,626,898, plus strand): 5'-GAGGCATAGTACAGGAAGAAGGGGCGATCCTGGCGCTGGGCGTCGGCCATGAGGTCATGG[G>T]CGAAAGCCATGTAGCGGGCCTCTAGTCCGGGCAGCCAGGGGGGCTGCGCCTCCACGGACA-3'
Protein context (NP_000478.3, residues 197-217): PGLEARYMAF[Ala207Asp]HDLMADAQRQ

ClinVar aggregate classification (germline): Likely pathogenic (1 of 4 stars; one submission).

Conditions:
Metachromatic leukodystrophy (MLD). Also called: ARSA DEFICIENCY; CEREBROSIDE SULFATASE DEFICIENCY; METACHROMATIC LEUKOENCEPHALOPATHY; SULFATIDE LIPIDOSIS; Cerebral sclerosis diffuse metachromatic form; Arylsulfatase A Deficiency. Identifiers: Orphanet 512, MedGen C0023522, MONDO:0018868, OMIM 250100.

Allele frequency attached by ClinVar (database versions not stated): gnomAD exomes below 0.00001; ExAC 0.00001.
gnomAD v4.1: 1 of 1,613,490 alleles (0.000062%); highest among the groups gnomAD compares: South Asian, 0.0011%; no homozygotes.

Submissions (2):

Foundation for Research in Genetics and Endocrinology, FRIGE's Institute of Human Genetics
Classification: Likely pathogenic for Metachromatic leukodystrophy. Review status: criteria provided, single submitter. Criteria: ACMG Guidelines, 2015. Collection method: clinical testing. Allele origin: germline. Inheritance: Autosomal recessive inheritance. Affected: yes. Observed: 1 homozygote.
Comment: A homozygous missense variant in exon 4 of the ARSA gene that results in the amino acid substitution of Aspartate for Alanine at codon 207 was detected. The observed variant c.620C>A (p.Ala207Asp) has not been reported in the 1000 genomes and has a minor allele frequency of 0.0004% in the gnomAD databases. The in silico prediction of the variant is damaging by PolyPhen-2 (HumDiv) and damaging by LRT and MutationTaster2. The reference codon is conserved across species. In summary, the variant meets our criteria to be classified as likely pathogenic.

Gelb Laboratory, University of Washington
No classification provided (evidence only). Condition: Metachromatic leukodystrophy. Review status: no classification provided. Collection method: in vitro. Allele origin: not applicable. Functional consequence: loss of function. Not counted in ClinVar's aggregate classification.